The following is an entry in ClinVar:

NM_080646.2(TBX1):c.1177G>A (p.Ala393Thr)

Gene: TBX1 (T-box transcription factor 1; plus strand). Cytogenetic location: 22q11.21.
Variant type: single nucleotide variant.
Coding change: c.1177G>A on transcript NM_080646.2; coding-DNA position 1177, G replaced by A.
Protein change: p.Ala393Thr; replaces alanine 393 with threonine.
Molecular consequence: missense variant. On other transcripts: intron variant (1).
Genome position (GRCh38, 1-based): chr22:19,779,387, G>A. VCF-style: chr22-19779387-G-A. GRCh37 (hg19) VCF-style: chr22-19766910-G-A.
Other names: c.1010-3526G>A (NM_005992.1); short protein forms A393T.
Identifiers: ClinVar variation 3036486 (VCV003036486.3), dbSNP rs5993826, ClinGen allele CA10102851.
Genomic context (GRCh38, chr22:19,779,387, plus strand): 5'-CTCCCCTGCCCCGCAGAGTGCCAACCCTTCAATACCCAGGGCCTGGTGGCTGGGAGGACC[G>A]CAGGTGACCGTCTTTGTTGAATGCTGAGGCCGGGCCATGGGCACATGGAGTTGTCGTGTT-3'

ClinVar aggregate classification (germline): Likely benign. Review status: criteria provided, single submitter (1 of 4 stars). 2 submissions from 2 submitters: Likely benign (1). 1 of the submissions does not count toward it. Last evaluated 2024-11-26.

Conditions:
TBX1-related disorder. Also called: TBX1-Related Disorders; TBX1-related condition.

Allele frequency attached by ClinVar (database versions not stated): 1000 Genomes Project 0.00060; ESP Exome Variant Server 0.00023; TOPMed 0.00032; 1000 Genomes Project 30x 0.00062.
gnomAD v4.1: 127 of 1,614,196 alleles (0.0079%); highest among the groups gnomAD compares: East Asian, 0.11%; no homozygotes.

Submissions (2):

Blueprint Genetics
Classification: Likely benign. Last evaluated: 2024-11-26. Review status: criteria provided, single submitter. Criteria: ACMG Guidelines, 2015. Collection method: clinical testing. Allele origin: germline.

PreventionGenetics, part of Exact Sciences
Classification: Likely benign for TBX1-related condition. Last evaluated: 2023-01-18. Review status: no assertion criteria provided. Collection method: clinical testing. Allele origin: germline. Not counted in ClinVar's aggregate classification.
Comment: This variant is classified as likely benign based on ACMG/AMP sequence variant interpretation guidelines (Richards et al. 2015 PMID: 25741868, with internal and published modifications).